The following is an entry in ClinVar:

NM_001873.4(CPE):c.913G>T (p.Asp305Tyr)

Gene: CPE (carboxypeptidase E; plus strand). Cytogenetic location: 4q32.3.
Variant type: single nucleotide variant.
Coding change: c.913G>T on transcript NM_001873.4 (MANE Select); coding-DNA position 913, G replaced by T.
Protein change: p.Asp305Tyr; replaces aspartic acid 305 with tyrosine.
Molecular consequence: missense variant.
Genome position (GRCh38, 1-based): chr4:165,484,544, G>T. VCF-style: chr4-165484544-G-T. GRCh37 (hg19) VCF-style: chr4-166405696-G-T.
Other names: short protein forms D305Y.
Identifiers: ClinVar variation 4984499 (VCV004984499.1).

ClinVar aggregate classification (germline): Uncertain significance (1 of 4 stars; one submission).

Conditions:
CPE-related disorder. Also called: CPE-related condition.

gnomAD v4.1: 2 of 1,614,026 alleles (0.00012%); highest among the groups gnomAD compares: Non-Finnish European, 0.00017%; no homozygotes.

Submission:

PreventionGenetics, part of Exact Sciences
Classification: Uncertain significance for CPE-related condition. Last evaluated: 2024-10-08. Review status: criteria provided, single submitter. Criteria: ACMG Guidelines, 2015. Collection method: clinical testing. Allele origin: germline.
Comment: The CPE c.913G>T variant is predicted to result in the amino acid substitution p.Asp305Tyr. To our knowledge, this variant has not been reported in the literature. This variant is reported in 0.00088% of alleles in individuals of European (Non-Finnish) descent in gnomAD. At this time, the clinical significance of this variant is uncertain due to the absence of conclusive functional and genetic evidence.